The following is an entry in ClinVar:

ClinVar aggregate classification (germline): Uncertain significance (1 of 4 stars; one submission).

gnomAD v4.1: 1 of 1,611,116 alleles (0.000062%); highest among the groups gnomAD compares: Middle Eastern, 0.017%; no homozygotes.

Submission:

Labcorp Genetics (formerly Invitae), Labcorp
Classification: Uncertain significance. Last evaluated: 2024-05-01. Review status: criteria provided, single submitter. Criteria: Invitae Variant Classification Sherloc (09022015). Collection method: clinical testing. Allele origin: germline.
Comment: This sequence change falls in intron 37 of the SI gene. It does not directly change the encoded amino acid sequence of the SI protein. It affects a nucleotide within the consensus splice site. This variant is not present in population databases (gnomAD no frequency). This variant has not been reported in the literature in individuals affected with SI-related conditions. Variants that disrupt the consensus splice site are a relatively common cause of aberrant splicing (PMID: 17576681, 9536098). Algorithms developed to predict the effect of sequence changes on RNA splicing suggest that this variant may disrupt the consensus splice site. In summary, the available evidence is currently insufficient to determine the role of this variant in disease. Therefore, it has been classified as a Variant of Uncertain Significance.

Literature cited by the submitters: PubMed 17576681; PubMed 9536098.

NM_001041.4(SI):c.4406+4A>G

Gene: SI (sucrase-isomaltase; minus strand). Cytogenetic location: 3q26.1.
Variant type: single nucleotide variant.
Coding change: c.4406+4A>G on transcript NM_001041.4 (MANE Select); 4 bases into the intron after coding-DNA position 4406, A replaced by G.
Molecular consequence: intron variant.
Genome position (GRCh38, 1-based): chr3:165,006,812, T>C on the plus strand (A>G on the coding strand, the complement: SI is on the minus strand). VCF-style: chr3-165006812-T-C. GRCh37 (hg19) VCF-style: chr3-164724600-T-C.
Identifiers: ClinVar variation 3682707 (VCV003682707.2).